The following is an entry in ClinVar:

ClinVar aggregate classification (germline): Likely pathogenic (1 of 4 stars; one submission).

Conditions:
ABCA1-related disorder. Also called: ABCA1-related condition; ABCA1-related disorders. Identifiers: MedGen CN239173.

Submissions (2):

PreventionGenetics, part of Exact Sciences
Classification: Likely pathogenic for ABCA1-related condition. Last evaluated: 2025-06-06. Review status: criteria provided, single submitter. Criteria: ACMG Guidelines, 2015. Collection method: clinical testing. Allele origin: germline.
Comment: The ABCA1 c.4773+1G>A variant is predicted to disrupt the GT donor site and interfere with normal splicing. This variant has been reported in the homozygous state in an individual with severe HDL deficiency (Pisciotta et al. 2009. PubMed ID: 9019193). cDNA analysis revealed the c.4773+1G>A variant induces exon 35 skipping leading to an in-frame deletion of 25 amino acids (p.Asp1567_Lys1591del); additionally, immunoblots of ABCA1 from patient’s fibroblasts demonstrated little detectable ABCA1 protein compared to wild type ABCA1 (Pisciotta et al. 2009. PubMed ID: 9019193). This variant is reported in 0.00088% of alleles in individuals of European (Non-Finnish) descent in gnomAD. Variants that disrupt the consensus splice donor site in ABCA1 are expected to be pathogenic. This variant is interpreted as likely pathogenic.

Dr. Peter K. Rogan Lab, Western University
No classification provided (evidence only). Condition: Familial cancer of breast. Review status: no classification provided. Collection method: in vitro. Allele origin: not applicable. Functional consequence: skipped exon, retained intron. Not counted in ClinVar's aggregate classification.

NM_005502.4(ABCA1):c.4773+1G>A

Gene: ABCA1 (ATP binding cassette subfamily A member 1; minus strand). Cytogenetic location: 9q31.1.
Variant type: single nucleotide variant.
Coding change: c.4773+1G>A on transcript NM_005502.4 (MANE Select); the canonical splice donor site of the intron after coding-DNA position 4773, G replaced by A.
Molecular consequence: splice donor variant.
Genome position (GRCh38, 1-based): chr9:104,800,509, C>T on the plus strand (G>A on the coding strand, the complement: ABCA1 is on the minus strand). VCF-style: chr9-104800509-C-T. GRCh37 (hg19) VCF-style: chr9-107562790-C-T.
Other names: NC_000009.11:g.107562790C>T; c.4773+1G>A (NM_005502.3).
Identifiers: ClinVar variation 4350146 (VCV004350146.2).